The following is an entry in ClinVar:

ClinVar aggregate classification (germline): Likely benign. Review status: criteria provided, single submitter (1 of 4 stars). 2 submissions from 2 submitters: Likely benign (1). 1 of the submissions does not count toward it. Last evaluated 2018-06-19.

Conditions:
TET3-related disorder. Also called: TET3-Related Disease; TET3-related condition.

Allele frequency attached by ClinVar (database versions not stated): ExAC 0.00047; gnomAD 0.00148 and 0.00156; ESP Exome Variant Server 0.00150; TOPMed 0.00157; 1000 Genomes Project 0.00180; 1000 Genomes Project 30x 0.00219.
gnomAD v4.1: 414 of 1,612,464 alleles (0.026%); highest among the groups gnomAD compares: African/African-American, 0.51%; 1 homozygote.

Submissions (2):

Labcorp Genetics (formerly Invitae), Labcorp
Classification: Likely benign. Last evaluated: 2018-06-19. Review status: criteria provided, single submitter. Criteria: Invitae Variant Classification Sherloc (09022015). Collection method: clinical testing. Allele origin: germline.

PreventionGenetics, part of Exact Sciences
Classification: Likely benign for TET3-related condition. Last evaluated: 2020-01-03. Review status: no assertion criteria provided. Collection method: clinical testing. Allele origin: germline. Not counted in ClinVar's aggregate classification.
Comment: This variant is classified as likely benign based on ACMG/AMP sequence variant interpretation guidelines (Richards et al. 2015 PMID: 25741868, with internal and published modifications).

NM_001287491.2(TET3):c.4483G>A (p.Gly1495Ser)

Gene: TET3 (tet methylcytosine dioxygenase 3; plus strand). Cytogenetic location: 2p13.1.
Variant type: single nucleotide variant.
Coding change: c.4483G>A on transcript NM_001287491.2 (MANE Select); coding-DNA position 4483, G replaced by A.
Protein change: p.Gly1495Ser; replaces glycine 1495 with serine.
Molecular consequence: missense variant.
Genome position (GRCh38, 1-based): chr2:74,101,271, G>A. VCF-style: chr2-74101271-G-A. GRCh37 (hg19) VCF-style: chr2-74328398-G-A.
Other names: c.4204G>A, p.Gly1402Ser (NM_001366022.1); short protein forms G1402S, G1495S.
Identifiers: ClinVar variation 729109 (VCV000729109.5), dbSNP rs201927778, ClinGen allele CA1719234.